The following is an entry in ClinVar:

ClinVar aggregate classification (germline): Uncertain significance. Review status: criteria provided, multiple submitters, no conflicts (2 of 4 stars). 4 submissions from 4 submitters: Uncertain significance (4). Last evaluated 2026-01-06.

Conditions:
Distal myopathy with posterior leg and anterior hand involvement. Also called: WILLIAMS DISTAL MYOPATHY. Identifiers: Orphanet 63273, MedGen C3279722, MONDO:0013550, OMIM 614065.
Myofibrillar myopathy 5. Also called: Filaminopathy (type); FILAMINOPATHY, AUTOSOMAL DOMINANT. Identifiers: Orphanet 171445, MedGen C1836050, MONDO:0012289, OMIM 609524.
Hypertrophic cardiomyopathy 26. Also called: Cardiomyopathy, familial hypertrophic, 26. Identifiers: Orphanet 75249, MedGen C4310749, MONDO:0014883, OMIM 617047.
Cardiovascular phenotype. Identifiers: MedGen CN230736.

Allele frequency attached by ClinVar (database versions not stated): ExAC 0.00001; gnomAD 0.00001; gnomAD exomes 0.00001; TOPMed 0.00001.
gnomAD v4.1: 9 of 1,613,778 alleles (0.00056%); highest among the groups gnomAD compares: East Asian, 0.0022%; no homozygotes.

Submissions (4):

Labcorp Genetics (formerly Invitae), Labcorp
Classification: Uncertain significance for Distal myopathy with posterior leg and anterior hand involvement; Myofibrillar myopathy 5; Hypertrophic cardiomyopathy 26. Last evaluated: 2026-01-06. Review status: criteria provided, single submitter. Criteria: Invitae Variant Classification Sherloc (09022015). Collection method: clinical testing. Allele origin: germline.
Comment: This sequence change replaces valine, which is neutral and non-polar, with methionine, which is neutral and non-polar, at codon 352 of the FLNC protein (p.Val352Met). This variant is present in population databases (rs773023988, gnomAD 0.007%). This variant has not been reported in the literature in individuals affected with FLNC-related conditions. ClinVar contains an entry for this variant (Variation ID: 539348). Invitae Evidence Modeling of protein sequence and biophysical properties (such as structural, functional, and spatial information, amino acid conservation, physicochemical variation, residue mobility, and thermodynamic stability) has been performed for this missense variant. However, the output from this modeling did not meet the statistical confidence thresholds required to predict the impact of this variant on FLNC protein function. In summary, the available evidence is currently insufficient to determine the role of this variant in disease. Therefore, it has been classified as a Variant of Uncertain Significance.

Molecular Diagnostic Laboratory for Inherited Cardiovascular Disease, Montreal Heart Institute
Classification: Uncertain significance for Cardiovascular phenotype. Last evaluated: 2025-04-09. Review status: criteria provided, single submitter. Criteria: ACMG Guidelines, 2015. Collection method: clinical testing. Allele origin: germline. Affected: yes.

Fulgent Genetics
Classification: Uncertain significance for Myofibrillar myopathy 5; Distal myopathy with posterior leg and anterior hand involvement; Hypertrophic cardiomyopathy 26. Last evaluated: 2021-08-13. Review status: criteria provided, single submitter. Criteria: ACMG Guidelines, 2015. Collection method: clinical testing. Allele origin: unknown.

Ambry Genetics
Classification: Uncertain significance for Cardiovascular phenotype. Last evaluated: 2019-09-05. Review status: criteria provided, single submitter. Criteria: Ambry Variant Classification Scheme 2023. Collection method: clinical testing. Allele origin: germline.
Comment: The p.V352M variant (also known as c.1054G>A), located in coding exon 7 of the FLNC gene, results from a G to A substitution at nucleotide position 1054. The valine at codon 352 is replaced by methionine, an amino acid with highly similar properties. This amino acid position is highly conserved in available vertebrate species. In addition, this alteration is predicted to be deleterious by in silico analysis. Since supporting evidence is limited at this time, the clinical significance of this alteration remains unclear.

NM_001458.5(FLNC):c.1054G>A (p.Val352Met)

Gene: FLNC (filamin C; plus strand). Cytogenetic location: 7q32.1.
Variant type: single nucleotide variant.
Coding change: c.1054G>A on transcript NM_001458.5 (MANE Select); coding-DNA position 1054, G replaced by A.
Protein change: p.Val352Met; replaces valine 352 with methionine.
Molecular consequence: missense variant.
Genome position (GRCh38, 1-based): chr7:128,838,273, G>A. VCF-style: chr7-128838273-G-A. GRCh37 (hg19) VCF-style: chr7-128478327-G-A.
Other names: c.1054G>A, p.Val352Met (NM_001127487.2); short protein forms V352M.
Identifiers: ClinVar variation 539348 (VCV000539348.11), dbSNP rs773023988, ClinGen allele CA4474224.
Genomic context (GRCh38, chr7:128,838,273, plus strand): 5'-CCCCTCTCAGGACTGCTCTCCCCTAGAAGCTAACCTTTGACCTCTGACCCCTAGGTGACC[G>A]TGCTCTTTGCTGGCCAGAACATTGAACGCAGTCCCTTTGAGGTGAACGTGGGCATGGCCC-3'
Protein context (NP_001449.3, residues 342-362): PKVAGLHKVT[Val352Met]LFAGQNIERS